The following is an entry in ClinVar:

ClinVar aggregate classification (germline): Uncertain significance (1 of 4 stars; one submission).

Conditions:
Inborn genetic diseases. Identifiers: MedGen C0950123, MeSH D030342.

Submission:

Ambry Genetics
Classification: Uncertain significance for Inborn genetic diseases. Last evaluated: 2025-08-25. Review status: criteria provided, single submitter. Criteria: Ambry Variant Classification Scheme 2023. Collection method: clinical testing. Allele origin: germline.
Comment: The p.M319V variant (also known as c.955A>G), located in coding exon 5 of the ETV6 gene, results from an A to G substitution at nucleotide position 955. The methionine at codon 319 is replaced by valine, an amino acid with highly similar properties. This amino acid position is conserved. In addition, this alteration is predicted to be tolerated by in silico analysis. Based on the available evidence, the clinical significance of this variant remains unclear.

NM_001987.5(ETV6):c.955A>G (p.Met319Val)

Gene: ETV6 (ETS variant transcription factor 6; plus strand). Cytogenetic location: 12p13.2.
Variant type: single nucleotide variant.
Coding change: c.955A>G on transcript NM_001987.5 (MANE Select); coding-DNA position 955, A replaced by G.
Protein change: p.Met319Val; replaces methionine 319 with valine.
Molecular consequence: missense variant.
Genome position (GRCh38, 1-based): chr12:11,869,915, A>G. VCF-style: chr12-11869915-A-G. GRCh37 (hg19) VCF-style: chr12-12022849-A-G.
Other names: c.952A>G, p.Met318Val (NM_001413913.1); c.928A>G, p.Met310Val (NM_001413914.1); c.691A>G, p.Met231Val (NM_001413915.1); c.955A>G, p.Met319Val (NM_001413916.1, NM_001413917.1); short protein forms M231V, M318V, M310V, M319V.
Identifiers: ClinVar variation 4251488 (VCV004251488.1).